The following is an entry in ClinVar:

NM_000501.4(ELN):c.848dup (p.Gly284fs)

Gene: ELN (elastin; plus strand). Cytogenetic location: 7q11.23.
Variant type: Duplication.
Coding change: c.848dup on transcript NM_000501.4 (MANE Select); coding-DNA position 848, one base duplicated (C; older notation c.848dupC).
Protein change: p.Gly284fs; shifts the reading frame from glycine 284.
Molecular consequence: frameshift variant.
Genome position (GRCh38, 1-based): chr7:74,051,798, C duplicated; the last of 2 consecutive C bases (chr7:74,051,797-74,051,798); duplicating either gives the same sequence. VCF-style (leftmost placement, unchanged base first): chr7-74051796-T-TC. GRCh37 (hg19) VCF-style: chr7-73466126-T-TC.
Other names: c.818dup, p.Gly274fs (NM_001081752.3, NM_001278917.2); c.863dup, p.Gly289fs (NM_001081753.3, NM_001081754.3); c.848dup, p.Gly284fs (NM_001081755.3, NM_001278912.2, NM_001278915.2 and 1 more transcripts); c.740dup, p.Gly248fs (NM_001278913.2); c.833dup, p.Gly279fs (NM_001278914.2); c.806dup, p.Gly270fs (NM_001278916.2); c.716dup, p.Gly240fs (NM_001278918.2); short protein forms G248fs, G270fs, G274fs, G279fs, G284fs, G240fs, G289fs.
Identifiers: ClinVar variation 213197 (VCV000213197.1), dbSNP rs863223528, ClinGen allele CA324779.

ClinVar aggregate classification (germline): Pathogenic (1 of 4 stars; one submission).

Submission:

GeneDx
Classification: Pathogenic. Last evaluated: 2014-09-22. Review status: criteria provided, single submitter. Criteria: GeneDx Variant Classification (06012015). Collection method: clinical testing. Allele origin: germline. Affected: yes.
Comment: The c.848dupC mutation in the ELN gene causes a frameshift starting with codon Glycine 284, changes this amino acid to a Tryptophan residue and creates a premature Stop codon at position 29 of the new reading frame, denoted p.Gly284TrpfsX29. This mutation is predicted to cause loss of normal protein function either through protein truncation or nonsense-mediated mRNA decay. This variant was found in ELN